The following is an entry in ClinVar:

NM_016122.3(CEP83):c.490C>G (p.His164Asp)

Gene: CEP83 (centrosomal protein 83; minus strand). Cytogenetic location: 12q22.
Variant type: single nucleotide variant.
Coding change: c.490C>G on transcript NM_016122.3 (MANE Select); coding-DNA position 490, C replaced by G.
Protein change: p.His164Asp; replaces histidine 164 with aspartic acid.
Molecular consequence: missense variant. On other transcripts: non-coding transcript variant (3), intron variant (2).
Genome position (GRCh38, 1-based): chr12:94,400,909, G>C on the plus strand (C>G on the coding strand, the complement: CEP83 is on the minus strand). VCF-style: chr12-94400909-G-C. GRCh37 (hg19) VCF-style: chr12-94794685-G-C.
Other names: c.490C>G, p.His164Asp (NM_001042399.2, NM_001346457.2, NM_001346460.2 and 3 more transcripts); c.178C>G, p.His60Asp (NM_001346458.2, NM_001346459.2, NM_001346462.2 and 2 more transcripts); c.324+10788C>G (NM_001368041.1); c.12+10788C>G (NM_001368042.1); short protein forms H164D, H60D.
Identifiers: ClinVar variation 2123421 (VCV002123421.4), dbSNP rs1387712255, ClinGen allele CA386143076.

ClinVar aggregate classification (germline): Uncertain significance (1 of 4 stars; one submission).

Conditions:
Nephronophthisis 18 (NPHP18). Identifiers: Orphanet 655, MedGen C3890591, MONDO:0014374, OMIM 615862.

Submission:

Labcorp Genetics (formerly Invitae), Labcorp
Classification: Uncertain significance for Nephronophthisis 18. Last evaluated: 2022-02-11. Review status: criteria provided, single submitter. Criteria: Invitae Variant Classification Sherloc (09022015). Collection method: clinical testing. Allele origin: germline.
Comment: In summary, the available evidence is currently insufficient to determine the role of this variant in disease. Therefore, it has been classified as a Variant of Uncertain Significance. This sequence change replaces histidine, which is basic and polar, with aspartic acid, which is acidic and polar, at codon 164 of the CEP83 protein (p.His164Asp). This variant is not present in population databases (gnomAD no frequency). This variant has not been reported in the literature in individuals affected with CEP83-related conditions. Algorithms developed to predict the effect of missense changes on protein structure and function are either unavailable or do not agree on the potential impact of this missense change (SIFT: "Not Available"; PolyPhen-2: "Probably Damaging"; Align-GVGD: "Not Available").